The following is an entry in ClinVar:

ClinVar aggregate classification (germline): Pathogenic (1 of 4 stars; one submission).

Conditions:
Polycystic kidney disease 4 (PKD4). Also called: POLYCYSTIC KIDNEY AND HEPATIC DISEASE 1; POLYCYSTIC KIDNEY DISEASE, INFANTILE, TYPE I; POLYCYSTIC KIDNEY DISEASE 4 WITH OR WITHOUT POLYCYSTIC LIVER DISEASE; PKD3; Autosomal Recessive Polycystic Kidney Disease – PKHD1. Identifiers: MedGen C4540575, MONDO:0033004, OMIM 263200.

Submission:

Myriad Genetics, Inc.
Classification: Pathogenic for Polycystic kidney disease 4. Last evaluated: 2025-03-09. Review status: criteria provided, single submitter. Criteria: Myriad Autosomal Dominant, Autosomal Recessive and X-Linked Classification Criteria (2023). Collection method: clinical testing. Allele origin: unknown.
Comment: NM_138694.3(PKHD1):c.4235T>A(L1412*) is expected to be pathogenic in the context of autosomal recessive polycystic kidney disease, PKHD1-related. This variant is predicted to lead to an abnormal or absent protein product due to the creation of a premature termination codon in PKHD1, a gene where loss-of-function variants are known to be pathogenic. Please note: this variant was assessed in the context of healthy population screening.

NM_138694.4(PKHD1):c.4235T>A (p.Leu1412Ter)

Gene: PKHD1 (PKHD1 ciliary IPT domain containing fibrocystin/polyductin; minus strand). Cytogenetic location: 6p12.2.
Variant type: single nucleotide variant.
Coding change: c.4235T>A on transcript NM_138694.4 (MANE Select); coding-DNA position 4235, T replaced by A.
Protein change: p.Leu1412Ter; replaces leucine 1412 with a stop codon.
Molecular consequence: nonsense.
Genome position (GRCh38, 1-based): chr6:52,025,575, A>T on the plus strand (T>A on the coding strand, the complement: PKHD1 is on the minus strand). VCF-style: chr6-52025575-A-T. GRCh37 (hg19) VCF-style: chr6-51890373-A-T.
Other names: c.4235T>A, p.Leu1412Ter (NM_170724.3); short protein forms L1412*.
Identifiers: ClinVar variation 5014197 (VCV005014197.1).